The following is an entry in ClinVar:

ClinVar aggregate classification (germline): Conflicting classifications of pathogenicity. Review status: criteria provided, conflicting classifications (1 of 4 stars). 4 submissions from 4 submitters: Uncertain significance (1); Likely benign (3). Last evaluated 2026-01-24.

Conditions:
GRIA3-related disorder. Also called: GRIA3-related condition.
Syndromic X-linked intellectual disability 94 (MRXSW). Also called: X-linked intellectual disability due to GRIA3 anomalies; MENTAL RETARDATION, X-LINKED, SYNDROMIC 29. Identifiers: Orphanet 364028, MedGen C2678051, MONDO:0010402, OMIM 300699.

Allele frequency attached by ClinVar (database versions not stated): ExAC 0.00003; TOPMed 0.00004; gnomAD exomes 0.00005; ESP Exome Variant Server 0.00009; gnomAD 0.00009; 1000 Genomes Project 0.00026; 1000 Genomes Project 30x 0.00042.
gnomAD v4.1: 68 of 1,205,961 alleles (0.0056%); highest among the groups gnomAD compares: Admixed American, 0.015%; no homozygotes.

Submissions (4):

Labcorp Genetics (formerly Invitae), Labcorp
Classification: Uncertain significance. Last evaluated: 2026-01-24. Review status: criteria provided, single submitter. Criteria: Invitae Variant Classification Sherloc (09022015). Collection method: clinical testing. Allele origin: germline.
Comment: This sequence change replaces glycine, which is neutral and non-polar, with arginine, which is basic and polar, at codon 194 of the GRIA3 protein (p.Gly194Arg). This variant is present in population databases (rs189437004, gnomAD 0.01%), and has an allele count higher than expected for a pathogenic variant. This variant has not been reported in the literature in individuals affected with GRIA3-related conditions. ClinVar contains an entry for this variant (Variation ID: 224120). Invitae Evidence Modeling of protein sequence and biophysical properties (such as structural, functional, and spatial information, amino acid conservation, physicochemical variation, residue mobility, and thermodynamic stability) indicates that this missense variant is not expected to disrupt GRIA3 protein function with a negative predictive value of 80%. In summary, the available evidence is currently insufficient to determine the role of this variant in disease. Therefore, it has been classified as a Variant of Uncertain Significance.

PreventionGenetics, part of Exact Sciences
Classification: Likely benign for GRIA3-related condition. Last evaluated: 2024-12-24. Review status: criteria provided, single submitter. Criteria: ACMG Guidelines, 2015. Collection method: clinical testing. Allele origin: germline.
Comment: This variant is classified as likely benign based on ACMG/AMP sequence variant interpretation guidelines (Richards et al. 2015 PMID: 25741868, with internal and published modifications).

GeneDx
Classification: Likely benign. Last evaluated: 2020-10-09. Review status: criteria provided, single submitter. Criteria: GeneDx Variant Classification Process June 2021. Collection method: clinical testing. Allele origin: germline. Affected: yes.
Comment: This variant is associated with the following publications: (PMID: 29652076)

HudsonAlpha Institute for Biotechnology
Classification: Likely benign for Syndromic X-linked intellectual disability 94. Last evaluated: 2015-03-09. Review status: criteria provided, single submitter. Criteria: HA_assertions_20161101. Collection method: research. Allele origin: maternal. Affected: no. Observed: 1 variant allele. Study: CSER-HudsonAlpha.

NM_007325.5(GRIA3):c.580G>A (p.Gly194Arg)

Gene: GRIA3 (glutamate ionotropic receptor AMPA type subunit 3; plus strand). Cytogenetic location: Xq25.
Variant type: single nucleotide variant.
Coding change: c.580G>A on transcript NM_007325.5 (MANE Select); coding-DNA position 580, G replaced by A.
Protein change: p.Gly194Arg; replaces glycine 194 with arginine.
Molecular consequence: missense variant.
Genome position (GRCh38, 1-based): chrX:123,326,097, G>A. VCF-style: chrX-123326097-G-A. GRCh37 (hg19) VCF-style: chrX-122459948-G-A.
Other names: c.580G>A, p.Gly194Arg (NM_000828.5); short protein forms G194R.
Identifiers: ClinVar variation 224120 (VCV000224120.10), dbSNP rs189437004, ClinGen allele CA357171.